The following is an entry in ClinVar:

ClinVar aggregate classification (germline): Uncertain significance (1 of 4 stars; one submission).

Conditions:
Tuberous sclerosis 2 (TSC2). Identifiers: Orphanet 805, MedGen C1860707, MONDO:0013199, OMIM 613254.

Submission:

Labcorp Genetics (formerly Invitae), Labcorp
Classification: Uncertain significance for Tuberous sclerosis 2. Last evaluated: 2024-04-10. Review status: criteria provided, single submitter. Criteria: Invitae Variant Classification Sherloc (09022015). Collection method: clinical testing. Allele origin: germline.
Comment: This sequence change replaces serine, which is neutral and polar, with tyrosine, which is neutral and polar, at codon 687 of the TSC2 protein (p.Ser687Tyr). This variant is not present in population databases (gnomAD no frequency). This variant has not been reported in the literature in individuals affected with TSC2-related conditions. ClinVar contains an entry for this variant (Variation ID: 937512). Advanced modeling of protein sequence and biophysical properties (such as structural, functional, and spatial information, amino acid conservation, physicochemical variation, residue mobility, and thermodynamic stability) performed at Invitae indicates that this missense variant is not expected to disrupt TSC2 protein function with a negative predictive value of 95%. In summary, the available evidence is currently insufficient to determine the role of this variant in disease. Therefore, it has been classified as a Variant of Uncertain Significance.

NM_000548.5(TSC2):c.2060C>A (p.Ser687Tyr)

Gene: TSC2 (TSC complex subunit 2; plus strand). Cytogenetic location: 16p13.3.
Variant type: single nucleotide variant.
Coding change: c.2060C>A on transcript NM_000548.5 (MANE Select); coding-DNA position 2060, C replaced by A.
Protein change: p.Ser687Tyr; replaces serine 687 with tyrosine.
Molecular consequence: missense variant.
Genome position (GRCh38, 1-based): chr16:2,071,897, C>A. VCF-style: chr16-2071897-C-A. GRCh37 (hg19) VCF-style: chr16-2121898-C-A.
Other names: c.2060C>A, p.Ser687Tyr (NM_001077183.3, NM_001114382.3, NM_001363528.2 and 3 more transcripts); c.1949C>A, p.Ser650Tyr (NM_001318827.2); c.1913C>A, p.Ser638Tyr (NM_001318829.2); c.1460C>A, p.Ser487Tyr (NM_001318831.2); c.2093C>A, p.Ser698Tyr (NM_001318832.2); short protein forms S638Y, S698Y, S650Y, S687Y, S487Y.
Identifiers: ClinVar variation 937512 (VCV000937512.9), dbSNP rs1455799897, ClinGen allele CA394274635.